The following is an entry in ClinVar:

NM_000057.4(BLM):c.2822A>G (p.Gln941Arg)

Gene: BLM (BLM RecQ like helicase; plus strand). Cytogenetic location: 15q26.1.
Variant type: single nucleotide variant.
Coding change: c.2822A>G on transcript NM_000057.4 (MANE Select); coding-DNA position 2822, A replaced by G.
Protein change: p.Gln941Arg; replaces glutamine 941 with arginine.
Molecular consequence: missense variant.
Genome position (GRCh38, 1-based): chr15:90,785,080, A>G. VCF-style: chr15-90785080-A-G. GRCh37 (hg19) VCF-style: chr15-91328310-A-G.
Other names: c.2822A>G, p.Gln941Arg (NM_001287246.2, NM_001287247.2); c.1697A>G, p.Gln566Arg (NM_001287248.2); short protein forms Q941R, Q566R.
Identifiers: ClinVar variation 236806 (VCV000236806.18), dbSNP rs762267785, ClinGen allele CA7738870.

ClinVar aggregate classification (germline): Uncertain significance. Review status: criteria provided, multiple submitters, no conflicts (2 of 4 stars). 5 submissions from 5 submitters: Uncertain significance (4). 1 of the submissions does not count toward it. Last evaluated 2025-11-03.

Conditions:
Hereditary cancer-predisposing syndrome. Also called: Hereditary neoplastic syndrome; Hereditary Cancer Syndrome; Neoplastic Syndromes, Hereditary; Tumor predisposition. Identifiers: Orphanet 140162, MedGen C0027672, MeSH D009386, MONDO:0015356.
Bloom syndrome (BLM). Also called: Bloom-Torre-Machacek syndrome. Identifiers: Orphanet 125, MedGen C0005859, MONDO:0008876, OMIM 210900.

Allele frequency attached by ClinVar (database versions not stated): ExAC 0.00001; gnomAD exomes 0.00001 and 0.00002; TOPMed 0.00002; gnomAD 0.00003.
gnomAD v4.1: 30 of 1,613,988 alleles (0.0019%); highest among the groups gnomAD compares: Non-Finnish European, 0.0025%; no homozygotes.

Submissions (5):

Labcorp Genetics (formerly Invitae), Labcorp
Classification: Uncertain significance for Bloom syndrome. Last evaluated: 2025-11-03. Review status: criteria provided, single submitter. Criteria: Invitae Variant Classification Sherloc (09022015). Collection method: clinical testing. Allele origin: germline.
Comment: This sequence change replaces glutamine, which is neutral and polar, with arginine, which is basic and polar, at codon 941 of the BLM protein (p.Gln941Arg). This variant is present in population databases (rs762267785, gnomAD 0.003%). This variant has not been reported in the literature in individuals affected with BLM-related conditions. ClinVar contains an entry for this variant (Variation ID: 236806). An algorithm developed to predict the effect of missense changes on protein structure and function (PolyPhen-2) suggests that this variant is likely to be disruptive. RNA analysis performed to evaluate the impact of this missense change on mRNA splicing indicates it does not significantly alter splicing (internal data). In summary, the available evidence is currently insufficient to determine the role of this variant in disease. Therefore, it has been classified as a Variant of Uncertain Significance.

GeneDx
Classification: Uncertain significance. Last evaluated: 2024-06-13. Review status: criteria provided, single submitter. Criteria: GeneDx Variant Classification Process June 2021. Collection method: clinical testing. Allele origin: germline. Affected: yes.
Comment: Not observed at significant frequency in large population cohorts (gnomAD); In silico analysis indicates that this missense variant does not alter protein structure/function; Observed only in an unaffected control in a case control study of cutaneous melanoma (PMID: 29641532); This variant is associated with the following publications: (PMID: 29641532)

Ambry Genetics
Classification: Uncertain significance for Hereditary cancer-predisposing syndrome. Last evaluated: 2024-02-09. Review status: criteria provided, single submitter. Criteria: Ambry Variant Classification Scheme 2023. Collection method: clinical testing. Allele origin: germline.
Comment: The p.Q941R variant (also known as c.2822A>G), located in coding exon 13 of the BLM gene, results from an A to G substitution at nucleotide position 2822. The glutamine at codon 941 is replaced by arginine, an amino acid with highly similar properties. This alteration was identified in 1/1358 non-cancer control individuals and in 0/57 cases, in a study looking at cancer predisposition mutations in patients with cutaneous melanoma and a history of at least two additional non-cutaneous melanoma primary cancers (Pritchard AL et al. PLoS One, 2018 Apr;13:e0194098). This amino acid position is highly conserved in available vertebrate species. In addition, the in silico prediction for this alteration is inconclusive. Based on the available evidence, the clinical significance of this alteration remains unclear.

Genetic Services Laboratory, University of Chicago
Classification: Uncertain significance. Last evaluated: 2021-02-15. Review status: criteria provided, single submitter. Criteria: ACMG Guidelines, 2015. Collection method: clinical testing. Allele origin: germline. Affected: no.
Comment: DNA sequence analysis of the BLM gene demonstrated a sequence change, c.2822A>G, in exon 14 that results in an amino acid change, p.Gln941Arg. This sequence change has been described in gnomAD with a low population frequency of 0.0014% (dbSNP rs762267785). The p.Gln941Arg change affects a moderately conserved amino acid residue located in a domain of the BLM protein that is known to be functional. The p.Gln941Arg substitution appears to be benign using several in-silico pathogenicity prediction tools (SIFT, PolyPhen2, Align GVGD, REVEL). This sequence change does not appear to have been previously described in patients with BLM-related disorders. Due to the lack of sufficient evidences, the clinical significance of the p.Gln941Arg change remains unknown at this time.

Natera, Inc.
Classification: Uncertain significance for Bloom syndrome. Last evaluated: 2018-09-18. Review status: no assertion criteria provided. Collection method: clinical testing. Allele origin: germline. Not counted in ClinVar's aggregate classification.

Literature cited by the submitters: PubMed 29641532 (cited by Ambry Genetics).